The following is an entry in ClinVar:

ClinVar aggregate classification (germline): Uncertain significance (1 of 4 stars; one submission).

Conditions:
Cardiovascular phenotype. Identifiers: MedGen CN230736.

Submission:

Ambry Genetics
Classification: Uncertain significance for Cardiovascular phenotype. Last evaluated: 2026-09-09. Review status: criteria provided, single submitter. Criteria: Ambry Variant Classification Scheme 2023. Collection method: clinical testing. Allele origin: germline.
Comment: The c.36313+5G>C intronic variant results from a G to C substitution 5 nucleotides after coding exon 132 in the TTN gene. This exon is located in the A-band region of the N2-B isoform of the titin protein and is constitutively expressed in TTN transcripts (percent spliced in or PSI 100%). This nucleotide position is well conserved in available vertebrate species. In silico splice site analysis predicts that this alteration will not have any significant effect on splicing. Based on the available evidence, the clinical significance of this variant remains unclear.

NM_001267550.2(TTN):c.63508+5G>C

Genes: TTN (titin; minus strand), TTN-AS1 (TTN antisense RNA 1; plus strand). Cytogenetic location: 2q31.2.
Variant type: single nucleotide variant.
Coding change: c.63508+5G>C on transcript NM_001267550.2 (MANE Select); 5 bases into the intron after coding-DNA position 63508, G replaced by C.
Molecular consequence: intron variant.
Genome position (GRCh38, 1-based): chr2:178,587,894, C>G on the plus strand (G>C on the coding strand, the complement: TTN is on the minus strand). VCF-style: chr2-178587894-C-G. GRCh37 (hg19) VCF-style: chr2-179452621-C-G.
Other names: c.36313+5G>C (NM_003319.4); c.36889+5G>C (NM_133437.4); c.36688+5G>C (NM_133432.3); c.55804+5G>C (NM_133378.4); c.58585+5G>C (NM_001256850.1).
Identifiers: ClinVar variation 5031517 (VCV005031517.1).